The following is an entry in ClinVar:

ClinVar aggregate classification (germline): Uncertain significance (1 of 4 stars; one submission).

Conditions:
Hereditary cancer-predisposing syndrome. Also called: Neoplastic Syndromes, Hereditary; Tumor predisposition; Hereditary Cancer Syndrome; Hereditary neoplastic syndrome. Identifiers: Orphanet 140162, MedGen C0027672, MeSH D009386, MONDO:0015356.

Submission:

Ambry Genetics
Classification: Uncertain significance for Hereditary cancer-predisposing syndrome. Last evaluated: 2026-04-06. Review status: criteria provided, single submitter. Criteria: Ambry Variant Classification Scheme 2023. Collection method: clinical testing. Allele origin: germline.
Comment: The c.2268T>C variant (also known as p.T756T), located in coding exon 9 of the MET gene, results from a T to C substitution at nucleotide position 2268. This nucleotide substitution does not change the threonine at codon 756. This nucleotide position is well conserved in available vertebrate species. In silico splice site analysis for this alteration is inconclusive. Based on the available evidence, the clinical significance of this variant remains unclear.

NM_000245.4(MET):c.2265-51T>C

Gene: MET (MET proto-oncogene, receptor tyrosine kinase; plus strand). Cytogenetic location: 7q31.2.
Variant type: single nucleotide variant.
Coding change: c.2265-51T>C on transcript NM_000245.4 (MANE Select); 51 bases into the intron before coding-DNA position 2265, T replaced by C.
Molecular consequence: intron variant. On other transcripts: synonymous variant (1).
Genome position (GRCh38, 1-based): chr7:116,759,340, T>C. VCF-style: chr7-116759340-T-C. GRCh37 (hg19) VCF-style: chr7-116399394-T-C.
Other names: c.2268T>C, p.Thr756= (NM_001127500.3); c.975-51T>C (NM_001324402.2); c.2265-51T>C (NM_001324401.3).
Identifiers: ClinVar variation 4859934 (VCV004859934.1).